The following is an entry in ClinVar:

ClinVar aggregate classification (germline): Likely pathogenic (1 of 4 stars; one submission).

Conditions:
Intellectual developmental disorder, X-linked 104. Also called: Intellectual disability, X-linked 104. Identifiers: MedGen C4310817, MONDO:0010509, OMIM 300983.

Submission:

Clinical Genetics Laboratory, Skane University Hospital Lund
Classification: Likely pathogenic for Intellectual developmental disorder, X-linked 104. Last evaluated: 2025-04-04. Review status: criteria provided, single submitter. Criteria: ACMG Guidelines, 2015. Collection method: clinical testing. Allele origin: germline. Inheritance: X-linked recessive inheritance. Affected: yes.
Comment: The variant has been classified as likely pathogenic based on the following ACMG criteria: PVS1_Strong, PM2.

NM_001368397.1(FRMPD4):c.3144dup (p.Gln1049fs)

Gene: FRMPD4 (FERM and PDZ domain containing 4; plus strand). Cytogenetic location: Xp22.2.
Variant type: Duplication.
Coding change: c.3144dup on transcript NM_001368397.1 (MANE Select); coding-DNA position 3144, one base duplicated (A; older notation c.3144dupA).
Protein change: p.Gln1049fs; shifts the reading frame from glutamine 1049.
Molecular consequence: frameshift variant.
Genome position (GRCh38, 1-based): chrX:12,717,970, A duplicated; the last of 7 consecutive A bases (chrX:12,717,964-12,717,970); duplicating any one gives the same sequence. VCF-style (leftmost placement, unchanged base first): chrX-12717963-G-GA. GRCh37 (hg19) VCF-style: chrX-12736082-G-GA.
Other names: c.3255dup, p.Gln1086fs (NM_001368395.3, NM_001368398.3); c.3150dup, p.Gln1051fs (NM_001368396.3); c.3135dup, p.Gln1046fs (NM_001368399.3); c.3024dup, p.Gln1009fs (NM_001368400.3); c.3120dup, p.Gln1041fs (NM_001368401.1, NM_001368402.3); c.3144dup, p.Gln1049fs (NM_014728.3); short protein forms Q1009fs, Q1041fs, Q1046fs, Q1049fs, Q1051fs, Q1086fs.
Identifiers: ClinVar variation 3777257 (VCV003777257.1).